The following is an entry in ClinVar:

ClinVar aggregate classification (germline): Uncertain significance (1 of 4 stars; one submission).

gnomAD v4.1: 1 of 1,604,484 alleles (0.000062%); highest among the groups gnomAD compares: Non-Finnish European, 0.000085%; no homozygotes.

Submission:

GeneDx
Classification: Uncertain significance. Last evaluated: 2024-12-11. Review status: criteria provided, single submitter. Criteria: GeneDx Variant Classification Process June 2021. Collection method: clinical testing. Allele origin: germline. Affected: yes.
Comment: Not observed at significant frequency in large population cohorts (gnomAD); In silico analysis supports that this missense variant has a deleterious effect on protein structure/function; Has not been previously published as pathogenic or benign to our knowledge

NM_013436.5(NCKAP1):c.1091T>C (p.Leu364Pro)

Gene: NCKAP1 (NCK associated protein 1; minus strand). Cytogenetic location: 2q32.1.
Variant type: single nucleotide variant.
Coding change: c.1091T>C on transcript NM_013436.5 (MANE Select); coding-DNA position 1091, T replaced by C.
Protein change: p.Leu364Pro; replaces leucine 364 with proline.
Molecular consequence: missense variant.
Genome position (GRCh38, 1-based): chr2:182,983,296, A>G on the plus strand (T>C on the coding strand, the complement: NCKAP1 is on the minus strand). VCF-style: chr2-182983296-A-G. GRCh37 (hg19) VCF-style: chr2-183848024-A-G.
Other names: c.1109T>C, p.Leu370Pro (NM_205842.3); short protein forms L364P, L370P.
Identifiers: ClinVar variation 3903239 (VCV003903239.1).